The following is an entry in ClinVar:

ClinVar aggregate classification (germline): Likely pathogenic (1 of 4 stars; one submission).

Conditions:
Neuronal ceroid lipofuscinosis. Also called: Neuronal Ceroid Lipofuscinoses. Identifiers: Orphanet 216, Orphanet 79263, MedGen C0027877, MONDO:0016295. Disease mechanism: loss of function.

Submission:

Labcorp Genetics (formerly Invitae), Labcorp
Classification: Likely pathogenic for Neuronal ceroid lipofuscinosis. Last evaluated: 2021-06-24. Review status: criteria provided, single submitter. Criteria: Invitae Variant Classification Sherloc (09022015). Collection method: clinical testing. Allele origin: germline.
Comment: This variant is not present in population databases (ExAC no frequency). In summary, the currently available evidence indicates that the variant is pathogenic, but additional data are needed to prove that conclusively. Therefore, this variant has been classified as Likely Pathogenic. Algorithms developed to predict the effect of sequence changes on RNA splicing suggest that this variant may disrupt the consensus splice site. This variant has not been reported in the literature in individuals affected with CLN6-related conditions. This sequence change affects an acceptor splice site in intron 3 of the CLN6 gene. It is expected to disrupt RNA splicing. Variants that disrupt the donor or acceptor splice site typically lead to a loss of protein function (PMID: 16199547), and loss-of-function variants in CLN6 are known to be pathogenic (PMID: 19135028).

Literature cited by the submitters: PubMed 16199547; PubMed 19135028.

NM_017882.3(CLN6):c.298-1G>C

Gene: CLN6 (CLN6 transmembrane ER protein; minus strand). Cytogenetic location: 15q23.
Variant type: single nucleotide variant.
Coding change: c.298-1G>C on transcript NM_017882.3 (MANE Select); the canonical splice acceptor site of the intron before coding-DNA position 298, G replaced by C.
Molecular consequence: splice acceptor variant.
Genome position (GRCh38, 1-based): chr15:68,211,864, C>G on the plus strand (G>C on the coding strand, the complement: CLN6 is on the minus strand). VCF-style: chr15-68211864-C-G. GRCh37 (hg19) VCF-style: chr15-68504202-C-G.
Other names: c.394-1G>C (NM_001411068.1).
Identifiers: ClinVar variation 1472433 (VCV001472433.6), dbSNP rs1595818391, ClinGen allele CA392973747.